The following is an entry in ClinVar:

ClinVar aggregate classification (germline): Likely pathogenic. Review status: criteria provided, single submitter (1 of 4 stars). 2 submissions from 2 submitters: Likely pathogenic (1). 1 of the submissions does not count toward it. Last evaluated 2022-03-01.

Conditions:
Muscular dystrophy-dystroglycanopathy (congenital with brain and eye anomalies), type A3. Also called: Congenital muscular dystrophy-dystroglycanopathy with brain and eye anomalies, type A3; Muscular dystrophy-dystroglycanopathy (congenital with brain and eye anomalies), type A, 3; WALKER-WARBURG SYNDROME OR MUSCLE-EYE-BRAIN DISEASE, POMGNT1-RELATED. Identifiers: MedGen C3151519, MONDO:0009667, OMIM 253280.
Muscular dystrophy-dystroglycanopathy (congenital with impaired intellectual development), type B, 3. Also called: Muscular dystrophy-dystroglycanopathy (congenital with intellectual disability), type B3; MUSCULAR DYSTROPHY, CONGENITAL, POMGNT1-RELATED. Identifiers: MedGen C3150412, MONDO:0013155, OMIM 613151.
Autosomal recessive limb-girdle muscular dystrophy type 2O. Also called: Limb-Girdle Muscular Dystrophy Type 3C; MUSCULAR DYSTROPHY-DYSTROGLYCANOPATHY (LIMB-GIRDLE), TYPE C, 3; MUSCULAR DYSTROPHY-DYSTROGLYCANOPATHY, LIMB-GIRDLE, POMGNT1-RELATED. Identifiers: Orphanet 206564, MedGen C3150417, MONDO:0013161, OMIM 613157.

Submissions (2):

Labcorp Genetics (formerly Invitae), Labcorp
Classification: Likely pathogenic for Autosomal recessive limb-girdle muscular dystrophy type 2O; Muscular dystrophy-dystroglycanopathy (congenital with impaired intellectual development), type B, 3. Last evaluated: 2022-03-01. Review status: criteria provided, single submitter. Criteria: Invitae Variant Classification Sherloc (09022015). Collection method: clinical testing. Allele origin: germline.
Comment: In summary, the currently available evidence indicates that the variant is pathogenic, but additional data are needed to prove that conclusively. Therefore, this variant has been classified as Likely Pathogenic. Algorithms developed to predict the effect of sequence changes on RNA splicing suggest that this variant may disrupt the consensus splice site. ClinVar contains an entry for this variant (Variation ID: 551232). Disruption of this splice site has been observed in individual(s) with clinical features of Walker-Warburg syndrome (Invitae). This variant is not present in population databases (gnomAD no frequency). This sequence change affects an acceptor splice site in intron 7 of the POMGNT1 gene. It is expected to disrupt RNA splicing. Variants that disrupt the donor or acceptor splice site typically lead to a loss of protein function (PMID: 16199547), and loss-of-function variants in POMGNT1 are known to be pathogenic (PMID: 19299310, 20816175, 21447391, 26908613, 27391550).

Counsyl
Classification: Likely pathogenic for Muscular dystrophy-dystroglycanopathy (congenital with brain and eye anomalies), type A3. Last evaluated: 2017-04-03. Review status: no assertion criteria provided. Collection method: clinical testing. Allele origin: unknown. Not counted in ClinVar's aggregate classification.

Literature cited by the submitters: PubMed 16199547 (cited by Labcorp Genetics (formerly Invitae), Labcorp); PubMed 19299310 (cited by Labcorp Genetics (formerly Invitae), Labcorp); PubMed 20816175 (cited by Labcorp Genetics (formerly Invitae), Labcorp); PubMed 21447391 (cited by Labcorp Genetics (formerly Invitae), Labcorp); PubMed 26908613 (cited by Labcorp Genetics (formerly Invitae), Labcorp); PubMed 27391550 (cited by Labcorp Genetics (formerly Invitae), Labcorp).

NM_017739.4(POMGNT1):c.653-2A>C

Genes: POMGNT1 (protein O-linked mannose N-acetylglucosaminyltransferase 1 (beta 1,2-); minus strand), TSPAN1 (tetraspanin 1; plus strand). Cytogenetic location: 1p34.1.
Variant type: single nucleotide variant.
Coding change: c.653-2A>C on transcript NM_017739.4 (MANE Select); the canonical splice acceptor site of the intron before coding-DNA position 653, A replaced by C.
Molecular consequence: splice acceptor variant.
Genome position (GRCh38, 1-based): chr1:46,194,653, T>G on the plus strand (A>C on the coding strand, the complement: POMGNT1 is on the minus strand). VCF-style: chr1-46194653-T-G. GRCh37 (hg19) VCF-style: chr1-46660325-T-G.
Other names: c.653-2A>C (NM_001243766.2, NM_001438686.1, NM_001438688.1 and 3 more transcripts); c.587-2A>C (NM_001290129.3, NM_001438691.1, NM_001438692.1); c.224-2A>C (NM_001290130.2).
Identifiers: ClinVar variation 551232 (VCV000551232.7), dbSNP rs1553163721, ClinGen allele CA340184815.
Genomic context (GRCh38, chr1:46,194,653, plus strand): 5'-TGGGTCCCCCCAGGAAGAGAGGGCAGGTGATTTAGAATGTTTCTCCCCGAAGACAGGACC[T>G]GGCAGGAGGCAGGAATGAGGGCCATGGGGGCCCAGACACCAGTTTGGGGGCTTTTTCCCA-3'